The following is an entry in ClinVar:

ClinVar aggregate classification (germline): Likely benign. Review status: reviewed by expert panel (3 of 4 stars). 3 submissions from 3 submitters: Likely benign (1). 2 of the submissions do not count toward it. Last evaluated 2023-11-13.

Conditions:
Hereditary thrombocytopenia and hematologic cancer predisposition syndrome. Identifiers: Orphanet 71290, MedGen CN281654, MONDO:0011071.
Hereditary thrombocytopenia and hematological cancer predisposition syndrome associated with RUNX1. Also called: PLATELET DISORDER, ASPIRIN-LIKE; RUNX1 Familial Platelet Disorder with Associated Myeloid Malignancies; Familial Platelet Disorder with Propensity to Acute Myelogenous Leukemia; Familial thrombocytopenia with propensity to acute myelogenous leukemia. Identifiers: Orphanet 71290, MedGen C1832388, MeSH C563324, MONDO:0100083, OMIM 601399.
Inborn genetic diseases. Identifiers: MedGen C0950123, MeSH D030342.

Allele frequency attached by ClinVar (database versions not stated): gnomAD exomes below 0.00001.
gnomAD v4.1: 2 of 1,613,648 alleles (0.00012%); highest among the groups gnomAD compares: Non-Finnish European, 0.000085%; no homozygotes.

Submissions (3):

ClinGen Myeloid Malignancy Variant Curation Expert Panel
Classification: Likely benign for Hereditary thrombocytopenia and hematologic cancer predisposition syndrome. Last evaluated: 2023-11-13. Review status: reviewed by expert panel. Criteria: ClinGen MyeloMalig ACMG Specifications v2. Collection method: curation. Allele origin: germline. Inheritance: Autosomal dominant inheritance.
Comment: The NM_001754.5(RUNX1):c.291C>T (p.Phe97=) variant is reported at a MAF of 0.00005 (0.005%, 1/21626 alleles) in the non-Finnish European subpopulation of the gnomAD v2.1.1 cohort, and does not meet thresholds for BA1, BS1, or PM2. The variant has not been reported in patients with familial platelet disorder with predisposition to hematologic malignancies in the literature, to the best of our knowledge. REVEL score is not calculable for a synonymous variant; SpiceAI predicts: Acceptor loss 0.02, Donor loss 0.00, Acceptor gain 0.00, Donor gain 0.00. Evolutionary conservation prediction algorithms predict the site as not being conserved (PhyloP score 0.74248< 2.0) In summary, the clinical significance of this variant is likely benign. ACMG/AMP criteria applied, as specified by the Myeloid Malignancy Variant Curation Expert Panel for RUNX1: BP4, BP7.

Ambry Genetics
Classification: Likely benign for Inborn genetic diseases. Last evaluated: 2024-11-22. Review status: criteria provided, single submitter. Criteria: Ambry Variant Classification Scheme 2023. Collection method: clinical testing. Allele origin: germline. Not counted in ClinVar's aggregate classification.

Labcorp Genetics (formerly Invitae), Labcorp
Classification: Likely benign for Hereditary thrombocytopenia and hematological cancer predisposition syndrome associated with RUNX1. Last evaluated: 2022-12-05. Review status: criteria provided, single submitter. Criteria: Invitae Variant Classification Sherloc (09022015). Collection method: clinical testing. Allele origin: germline. Not counted in ClinVar's aggregate classification.

NM_001754.5(RUNX1):c.291C>T (p.Phe97=)

Gene: RUNX1 (RUNX family transcription factor 1; minus strand). Cytogenetic location: 21q22.12.
Variant type: single nucleotide variant.
Coding change: c.291C>T on transcript NM_001754.5 (MANE Select); coding-DNA position 291, C replaced by T.
Protein change: p.Phe97=; no amino-acid change (phenylalanine 97 retained).
Molecular consequence: synonymous variant.
Genome position (GRCh38, 1-based): chr21:34,886,903, G>A on the plus strand (C>T on the coding strand, the complement: RUNX1 is on the minus strand). VCF-style: chr21-34886903-G-A. GRCh37 (hg19) VCF-style: chr21-36259200-G-A.
Other names: NM_001754.5(RUNX1):c.291C>T; p.Phe97=; c.291C>T (NM_001754.4); c.210C>T, p.Phe70= (NM_001001890.3, NM_001122607.2).
Identifiers: ClinVar variation 1088304 (VCV001088304.10), dbSNP rs1432236291, ClinGen allele CA512318853.
Genomic context (GRCh38, chr21:34,886,903, plus strand): 5'-CTTGAAAGCGATGGGCAGGGTCTTGTTGCAGCGCCAGTGCGTAGGCAGCACGGAGCAGAG[G>A]AAGTTGGGGCTGTCGGTGCGCACCAGCTCGCCCGGGTGGTCGGCCAGCACCTCCACCATG-3'
Protein context (NP_001745.2, residues 87-107): GELVRTDSPN[Phe97=]LCSVLPTHWR